The following is an entry in ClinVar:

ClinVar aggregate classification (germline): Uncertain significance (1 of 4 stars; one submission).

Conditions:
Ataxia-telangiectasia syndrome (AT). Also called: ATAXIA-TELANGIECTASIA, COMPLEMENTATION GROUP A; ATAXIA-TELANGIECTASIA, FRESNO VARIANT; Ataxia-telangiectasia; Ataxia-telangiectasia, complementation group D; AT, COMPLEMENTATION GROUP C; Ataxia-telangiectasia, complementation group E. Identifiers: Orphanet 100, MedGen C0004135, MONDO:0008840, OMIM 208900.

Submission:

Labcorp Genetics (formerly Invitae), Labcorp
Classification: Uncertain significance for Ataxia-telangiectasia syndrome. Last evaluated: 2022-11-15. Review status: criteria provided, single submitter. Criteria: Invitae Variant Classification Sherloc (09022015). Collection method: clinical testing. Allele origin: germline.
Comment: In summary, the available evidence is currently insufficient to determine the role of this variant in disease. Therefore, it has been classified as a Variant of Uncertain Significance. Algorithms developed to predict the effect of missense changes on protein structure and function (SIFT, PolyPhen-2, Align-GVGD) all suggest that this variant is likely to be tolerated. ClinVar contains an entry for this variant (Variation ID: 847663). This variant has not been reported in the literature in individuals affected with ATM-related conditions. This variant is not present in population databases (gnomAD no frequency). This sequence change replaces valine, which is neutral and non-polar, with glycine, which is neutral and non-polar, at codon 2439 of the ATM protein (p.Val2439Gly).

NM_000051.4(ATM):c.7316T>G (p.Val2439Gly)

Genes: ATM (ATM serine/threonine kinase; plus strand), C11orf65 (chromosome 11 open reading frame 65; minus strand). Cytogenetic location: 11q22.3.
Variant type: single nucleotide variant.
Coding change: c.7316T>G on transcript NM_000051.4 (MANE Select); coding-DNA position 7316, T replaced by G.
Protein change: p.Val2439Gly; replaces valine 2439 with glycine.
Molecular consequence: missense variant. On other transcripts: intron variant (2).
Genome position (GRCh38, 1-based): chr11:108,330,222, T>G. VCF-style: chr11-108330222-T-G. GRCh37 (hg19) VCF-style: chr11-108200949-T-G.
Other names: c.7316T>G, p.Val2439Gly (NM_001351834.2); c.641-21151A>C (NM_001330368.2); c.*38+4998A>C (NM_001351110.2); short protein forms V2439G.
Identifiers: ClinVar variation 847663 (VCV000847663.10), dbSNP rs776266049, ClinGen allele CA382559876.
Genomic context (GRCh38, chr11:108,330,222, plus strand): 5'-GTTCTGTTAAAGTTCATGGCTTTTGTGTTTTACCTTAATTATTCTATGCAAGATACACAG[T>G]AAAGGTTCAGCGAGAGCTGGAGTTGGATGAATTAGCCCTGCGTGCACTGAAAGAGGATCG-3'
Protein context (NP_000042.3, residues 2429-2449): EHKIQTNRYT[Val2439Gly]KVQRELELDE